The following is an entry in ClinVar:

ClinVar aggregate classification (germline): Uncertain significance (0 of 4 stars; one submission).

Conditions:
ARID1B-Related Disorder. Identifiers: MedGen CN381337.

gnomAD v4.1: 4 of 1,503,336 alleles (0.00027%); highest among the groups gnomAD compares: Non-Finnish European, 0.00027%; no homozygotes.

Submission:

PreventionGenetics, part of Exact Sciences
Classification: Uncertain significance for ARID1B-related condition. Last evaluated: 2024-08-17. Review status: no assertion criteria provided. Collection method: clinical testing. Allele origin: germline.
Comment: The ARID1B c.746G>C variant is predicted to result in the amino acid substitution p.Gly249Ala. To our knowledge, this variant has not been reported in the literature. This variant is reported in 0.0027% of alleles in individuals of European (Non-Finnish) descent in gnomAD. At this time, the clinical significance of this variant is uncertain due to the absence of conclusive functional and genetic evidence.

NM_001374828.1(ARID1B):c.995G>C (p.Gly332Ala)

Gene: ARID1B (AT-rich interaction domain 1B; plus strand). Cytogenetic location: 6q25.3.
Variant type: single nucleotide variant.
Coding change: c.995G>C on transcript NM_001374828.1 (MANE Select); coding-DNA position 995, G replaced by C.
Protein change: p.Gly332Ala; replaces glycine 332 with alanine.
Molecular consequence: missense variant.
Genome position (GRCh38, 1-based): chr6:156,778,675, G>C. VCF-style: chr6-156778675-G-C. GRCh37 (hg19) VCF-style: chr6-157099809-G-C.
Other names: c.995G>C, p.Gly332Ala (NM_001371656.1, NM_001374820.1, NM_017519.3); c.746G>C (NM_020732.3); short protein forms G332A.
Identifiers: ClinVar variation 3355364 (VCV003355364.1).